The following is an entry in ClinVar:

ClinVar aggregate classification (germline): Uncertain significance (1 of 4 stars; one submission).

Conditions:
Aortic valve disease 2 (AOVD2). Identifiers: MedGen C3542024, MONDO:0013902, OMIM 614823.

Allele frequency attached by ClinVar (database versions not stated): gnomAD exomes below 0.00001; ExAC 0.00001; gnomAD 0.00003.
gnomAD v4.1: 5 of 1,601,014 alleles (0.00031%); highest among the groups gnomAD compares: East Asian, 0.009%; no homozygotes.

Submission:

Labcorp Genetics (formerly Invitae), Labcorp
Classification: Uncertain significance for Aortic valve disease 2. Last evaluated: 2025-11-17. Review status: criteria provided, single submitter. Criteria: Invitae Variant Classification Sherloc (09022015). Collection method: clinical testing. Allele origin: germline.
Comment: This sequence change replaces valine, which is neutral and non-polar, with leucine, which is neutral and non-polar, at codon 334 of the SMAD6 protein (p.Val334Leu). This variant is present in population databases (rs772926628, gnomAD 0.02%). This variant has not been reported in the literature in individuals affected with SMAD6-related conditions. ClinVar contains an entry for this variant (Variation ID: 640191). Invitae Evidence Modeling of protein sequence and biophysical properties (such as structural, functional, and spatial information, amino acid conservation, physicochemical variation, residue mobility, and thermodynamic stability) indicates that this missense variant is not expected to disrupt SMAD6 protein function with a negative predictive value of 80%. In summary, the available evidence is currently insufficient to determine the role of this variant in disease. Therefore, it has been classified as a Variant of Uncertain Significance.

NM_005585.5(SMAD6):c.1000G>C (p.Val334Leu)

Gene: SMAD6 (SMAD family member 6; plus strand). Cytogenetic location: 15q22.31.
Variant type: single nucleotide variant.
Coding change: c.1000G>C on transcript NM_005585.5 (MANE Select); coding-DNA position 1000, G replaced by C.
Protein change: p.Val334Leu; replaces valine 334 with leucine.
Molecular consequence: missense variant. On other transcripts: non-coding transcript variant (1).
Genome position (GRCh38, 1-based): chr15:66,781,044, G>C. VCF-style: chr15-66781044-G-C. GRCh37 (hg19) VCF-style: chr15-67073382-G-C.
Other names: short protein forms V334L.
Identifiers: ClinVar variation 640191 (VCV000640191.8), dbSNP rs772926628, ClinGen allele CA7626704.